The following is an entry in ClinVar:

ClinVar aggregate classification (germline): Uncertain significance (1 of 4 stars; one submission).

Conditions:
Nephronophthisis. Also called: Juvenile Nephronophthisis. Identifiers: Orphanet 655, MedGen C0687120, MONDO:0019005, HP:0000090.

Submission:

Labcorp Genetics (formerly Invitae), Labcorp
Classification: Uncertain significance for Nephronophthisis. Last evaluated: 2022-06-23. Review status: criteria provided, single submitter. Criteria: Invitae Variant Classification Sherloc (09022015). Collection method: clinical testing. Allele origin: germline.
Comment: In summary, the available evidence is currently insufficient to determine the role of this variant in disease. Therefore, it has been classified as a Variant of Uncertain Significance. Experimental studies and prediction algorithms are not available or were not evaluated, and the functional significance of this variant is currently unknown. This variant has not been reported in the literature in individuals affected with NPHP4-related conditions. This variant is not present in population databases (gnomAD no frequency). This sequence change creates a premature translational stop signal (p.Tyr1356Thrfs*50) in the NPHP4 gene. While this is not anticipated to result in nonsense mediated decay, it is expected to disrupt the last 71 amino acid(s) of the NPHP4 protein.

NM_015102.5(NPHP4):c.4065del (p.Tyr1356fs)

Gene: NPHP4 (nephrocystin 4; minus strand). Cytogenetic location: 1p36.31.
Variant type: Deletion.
Coding change: c.4065del on transcript NM_015102.5 (MANE Select); coding-DNA position 4065, one base deleted (C; older notation c.4065delC).
Protein change: p.Tyr1356fs; shifts the reading frame from tyrosine 1356.
Molecular consequence: frameshift variant. On other transcripts: non-coding transcript variant (1).
Genome position (GRCh38, 1-based): chr1:5,863,965, G deleted on the plus strand (C on the coding strand, the reverse complement: NPHP4 is on the minus strand); the first of 4 consecutive G bases (chr1:5,863,965-5,863,968); deleting any one gives the same sequence. VCF-style (leftmost placement, unchanged base first): chr1-5863964-AG-A. GRCh37 (hg19) VCF-style: chr1-5924024-AG-A.
Other names: c.2526del, p.Tyr843fs (NM_001291593.2); c.2529del, p.Tyr844fs (NM_001291594.2); short protein forms Y843fs, Y1356fs, Y844fs.
Identifiers: ClinVar variation 2009831 (VCV002009831.4), dbSNP rs2522625279, ClinGen allele CA2580062649.
Genomic context (GRCh38, chr1:5,863,964, plus strand): 5'-CTCTGAACCGCAGCAGCTCCGGGTGGTCGCTGTGCAGGTGGAATGTCCTCCGGGAGGGGT[AG>A]GGGTTGGTGTAGGTGATCCTCTTGTTGACACCCTTCCCTTCGCCCGCAGCCAACATGATC-3'